The following is an entry in ClinVar:

NM_005993.5(TBCD):c.1931C>T (p.Thr644Met)

Gene: TBCD (tubulin folding cofactor D). Cytogenetic location: 17q25.3.
Variant type: single nucleotide variant.
Coding change: c.1931C>T on transcript NM_005993.5 (MANE Select); coding-DNA position 1931, C replaced by T.
Protein change: p.Thr644Met; replaces threonine 644 with methionine.
Molecular consequence: missense variant.
Genome position (GRCh38, 1-based): chr17:82,907,769, C>T. VCF-style: chr17-82907769-C-T. GRCh37 (hg19) VCF-style: chr17-80865645-C-T.
Other names: c.1880C>T, p.Thr627Met (NM_001411101.1); c.1850C>T, p.Thr617Met (NM_001411102.1); short protein forms T627M, T617M, T644M.
Identifiers: ClinVar variation 2385913 (VCV002385913.4), dbSNP rs368254454, ClinGen allele CA8862838.

ClinVar aggregate classification (germline): Uncertain significance. Review status: criteria provided, multiple submitters, no conflicts (2 of 4 stars). 2 submissions from 2 submitters: Uncertain significance (2). Last evaluated 2024-10-16.

Conditions:
Inborn genetic diseases. Identifiers: MedGen C0950123, MeSH D030342.

Allele frequency attached by ClinVar (database versions not stated): ExAC 0.00004; gnomAD 0.00004; TOPMed 0.00007; ESP Exome Variant Server 0.00008; gnomAD exomes 0.00012.
gnomAD v4.1: 171 of 1,613,664 alleles (0.011%); highest among the groups gnomAD compares: Non-Finnish European, 0.014%; no homozygotes.

Submissions (2):

Labcorp Genetics (formerly Invitae), Labcorp
Classification: Uncertain significance. Last evaluated: 2024-10-16. Review status: criteria provided, single submitter. Criteria: Invitae Variant Classification Sherloc (09022015). Collection method: clinical testing. Allele origin: germline.
Comment: This sequence change replaces threonine, which is neutral and polar, with methionine, which is neutral and non-polar, at codon 644 of the TBCD protein (p.Thr644Met). This variant is present in population databases (rs368254454, gnomAD 0.01%). This variant has not been reported in the literature in individuals affected with TBCD-related conditions. ClinVar contains an entry for this variant (Variation ID: 2385913). Invitae Evidence Modeling of protein sequence and biophysical properties (such as structural, functional, and spatial information, amino acid conservation, physicochemical variation, residue mobility, and thermodynamic stability) has been performed for this missense variant. However, the output from this modeling did not meet the statistical confidence thresholds required to predict the impact of this variant on TBCD protein function. In summary, the available evidence is currently insufficient to determine the role of this variant in disease. Therefore, it has been classified as a Variant of Uncertain Significance.

Ambry Genetics
Classification: Uncertain significance for Inborn genetic diseases. Last evaluated: 2021-10-06. Review status: criteria provided, single submitter. Criteria: Ambry Variant Classification Scheme 2023. Collection method: clinical testing. Allele origin: germline.